The following is an entry in ClinVar:

NM_003072.5(SMARCA4):c.4259G>T (p.Gly1420Val)

Gene: SMARCA4 (SWI/SNF related BAF chromatin remodeling complex subunit ATPase 4; plus strand). Cytogenetic location: 19p13.2.
Variant type: single nucleotide variant.
Coding change: c.4259G>T on transcript NM_003072.5 (MANE Select); coding-DNA position 4259, G replaced by T.
Protein change: p.Gly1420Val; replaces glycine 1420 with valine.
Molecular consequence: missense variant. On other transcripts: non-coding transcript variant (1).
Genome position (GRCh38, 1-based): chr19:11,041,395, G>T. VCF-style: chr19-11041395-G-T. GRCh37 (hg19) VCF-style: chr19-11152071-G-T.
Other names: c.4259G>T, p.Gly1420Val (NM_001128844.3); c.4169G>T, p.Gly1390Val (NM_001128845.2, NM_001128846.2); c.4160G>T, p.Gly1387Val (NM_001128847.4, NM_001128848.2, NM_001374457.1); c.4355G>T, p.Gly1452Val (NM_001128849.3, NM_001387283.1); c.4256G>T, p.Gly1419Val (NM_001411150.1); short protein forms G1390V, G1420V, G1387V, G1419V, G1452V.
Identifiers: ClinVar variation 1739951 (VCV001739951.2), dbSNP rs1555788169, ClinGen allele CA404073318.

ClinVar aggregate classification (germline): Uncertain significance (1 of 4 stars; one submission).

Conditions:
Hereditary cancer-predisposing syndrome. Also called: Hereditary Cancer Syndrome; Hereditary neoplastic syndrome; Neoplastic Syndromes, Hereditary; Tumor predisposition. Identifiers: Orphanet 140162, MedGen C0027672, MeSH D009386, MONDO:0015356.

Submission:

Ambry Genetics
Classification: Uncertain significance for Hereditary cancer-predisposing syndrome. Last evaluated: 2020-03-12. Review status: criteria provided, single submitter. Criteria: Ambry Variant Classification Scheme 2023. Collection method: clinical testing. Allele origin: germline.
Comment: The p.G1452V variant (also known as c.4355G>T), located in coding exon 30 of the SMARCA4 gene, results from a G to T substitution at nucleotide position 4355. The glycine at codon 1452 is replaced by valine, an amino acid with dissimilar properties. This amino acid position is well conserved in available vertebrate species. In addition, the in silico prediction for this alteration is inconclusive. Since supporting evidence is limited at this time, the clinical significance of this alteration remains unclear.